The following is an entry in ClinVar:

ClinVar aggregate classification (germline): Pathogenic. Review status: criteria provided, multiple submitters, no conflicts (2 of 4 stars). 3 submissions from 3 submitters: Pathogenic (3). Last evaluated 2025-10-09.

Conditions:
Hermansky-Pudlak syndrome with pulmonary fibrosis. Identifiers: Orphanet 231500, MedGen C5679834, MONDO:0016501.
Hermansky-Pudlak syndrome 1 (HPS1). Also called: DELTA STORAGE POOL DISEASE. Identifiers: Orphanet 231500, Orphanet 79430, MedGen C2931875, MONDO:0008748, OMIM 203300.

Submissions (3):

Myriad Genetics, Inc.
Classification: Pathogenic for Hermansky-Pudlak syndrome 1. Last evaluated: 2025-10-09. Review status: criteria provided, single submitter. Criteria: Myriad Autosomal Dominant, Autosomal Recessive and X-Linked Classification Criteria (2023). Collection method: clinical testing. Allele origin: unknown.
Comment: NM_000195.3(HPS1):c.1090dupC(L364Pfs*89) is a frameshift variant classified as pathogenic in the context of Hermansky-Pudlak syndrome, HPS1-related. L364Pfs*89 has not been observed in cases with relevant disease. Relevant functional assessments of this variant are not available in the literature. L364Pfs*89 has not been observed in referenced population frequency databases. In summary, NM_000195.3(HPS1):c.1090dupC(L364Pfs*89) is a frameshift variant in a gene where loss of function is a known mechanism of disease and is predicted to disrupt protein function. Please note: this variant was assessed in the context of healthy population screening.

Labcorp Genetics (formerly Invitae), Labcorp
Classification: Pathogenic. Last evaluated: 2024-02-06. Review status: criteria provided, single submitter. Criteria: Invitae Variant Classification Sherloc (09022015). Collection method: clinical testing. Allele origin: germline.
Comment: This sequence change creates a premature translational stop signal (p.Leu364Profs*89) in the HPS1 gene. It is expected to result in an absent or disrupted protein product. Loss-of-function variants in HPS1 are known to be pathogenic (PMID: 12442288, 16185271). This variant is not present in population databases (gnomAD no frequency). This variant has not been reported in the literature in individuals affected with HPS1-related conditions. ClinVar contains an entry for this variant (Variation ID: 1072016). For these reasons, this variant has been classified as Pathogenic.

Institute of Medical Genetics and Applied Genomics, University Hospital Tübingen
Classification: Pathogenic for Hermansky-Pudlak syndrome with pulmonary fibrosis. Last evaluated: 2021-10-18. Review status: criteria provided, single submitter. Criteria: ACMG Guidelines, 2015. Collection method: clinical testing. Allele origin: germline. Inheritance: Autosomal recessive inheritance. Affected: yes.

Literature cited by the submitters: PubMed 12442288 (cited by Labcorp Genetics (formerly Invitae), Labcorp); PubMed 16185271 (cited by Labcorp Genetics (formerly Invitae), Labcorp).

NM_000195.5(HPS1):c.1090dup (p.Leu364fs)

Gene: HPS1 (HPS1 biogenesis of lysosomal organelles complex 3 subunit 1; minus strand). Cytogenetic location: 10q24.2.
Variant type: Duplication.
Coding change: c.1090dup on transcript NM_000195.5 (MANE Select); coding-DNA position 1090, one base duplicated (C; older notation c.1090dupC).
Protein change: p.Leu364fs; shifts the reading frame from leucine 364.
Molecular consequence: frameshift variant.
Genome position (GRCh38, 1-based): chr10:98,425,883, G duplicated on the plus strand (C on the coding strand, the reverse complement: HPS1 is on the minus strand); the first of 5 consecutive G bases (chr10:98,425,883-98,425,887); duplicating any one gives the same sequence. VCF-style (leftmost placement, unchanged base first): chr10-98425882-A-AG. GRCh37 (hg19) VCF-style: chr10-100185639-A-AG.
Other names: c.1090dup, p.Leu364fs (NM_001322477.2, NM_001322476.2); c.991dup, p.Leu331fs (NM_001322478.2, NM_001322479.2); c.829dup, p.Leu277fs (NM_001322480.2, NM_001322481.2); c.730dup, p.Leu244fs (NM_001322482.2); c.721dup, p.Leu241fs (NM_001322483.2, NM_001322484.2); c.118dup, p.Leu40fs (NM_001311345.2, NM_001322487.2, NM_001322489.2); c.622dup, p.Leu208fs (NM_001322485.2); short protein forms L208fs, L241fs, L244fs, L277fs, L331fs, L364fs, L40fs.
Identifiers: ClinVar variation 1072016 (VCV001072016.9), dbSNP rs2136156603, ClinGen allele CA2499220519.